The following is an entry in ClinVar:

ClinVar aggregate classification (germline): Uncertain significance. Review status: criteria provided, multiple submitters, no conflicts (2 of 4 stars). 3 submissions from 3 submitters: Uncertain significance (3). Last evaluated 2024-11-04.

Conditions:
MKS1-related disorder. Also called: MKS1-related disorders; MKS1-related condition. Identifiers: MedGen CN239382.
Joubert syndrome. Also called: Familial aplasia of the vermis; JOUBERT-BOLTSHAUSER SYNDROME. Identifiers: Orphanet 475, MedGen C5979921, MONDO:0018772.
Meckel-Gruber syndrome. Also called: Dysencephalia splachnocystica; DYSENCEPHALIA SPLANCHNOCYSTICA; GRUBER SYNDROME. Identifiers: Orphanet 564, MedGen C0265215, MONDO:0018921.

Allele frequency attached by ClinVar (database versions not stated): gnomAD 0.00001; ExAC 0.00002; gnomAD exomes 0.00002; 1000 Genomes Project 30x 0.00016; 1000 Genomes Project 0.00020.
gnomAD v4.1: 29 of 1,614,122 alleles (0.0018%); highest among the groups gnomAD compares: East Asian, 0.0045%; no homozygotes.

Submissions (3):

PreventionGenetics, part of Exact Sciences
Classification: Uncertain significance for MKS1-related condition. Last evaluated: 2024-11-04. Review status: criteria provided, single submitter. Criteria: ACMG Guidelines, 2015. Collection method: clinical testing. Allele origin: germline.
Comment: The MKS1 c.1354G>A variant is predicted to result in the amino acid substitution p.Gly452Ser. To our knowledge, this variant has not been reported in the literature. This variant is reported in 0.0026% of alleles in individuals of European (Non-Finnish) descent in gnomAD. At this time, the clinical significance of this variant is uncertain due to the absence of conclusive functional and genetic evidence.

Labcorp Genetics (formerly Invitae), Labcorp
Classification: Uncertain significance for Joubert syndrome; Meckel-Gruber syndrome. Last evaluated: 2022-02-11. Review status: criteria provided, single submitter. Criteria: Invitae Variant Classification Sherloc (09022015). Collection method: clinical testing. Allele origin: germline.
Comment: This sequence change replaces glycine, which is neutral and non-polar, with serine, which is neutral and polar, at codon 452 of the MKS1 protein (p.Gly452Ser). This variant is present in population databases (rs538819956, gnomAD 0.003%). This variant has not been reported in the literature in individuals affected with MKS1-related conditions. Advanced modeling of protein sequence and biophysical properties (such as structural, functional, and spatial information, amino acid conservation, physicochemical variation, residue mobility, and thermodynamic stability) performed at Invitae indicates that this missense variant is expected to disrupt MKS1 protein function. Algorithms developed to predict the effect of sequence changes on RNA splicing suggest that this variant may create or strengthen a splice site. In summary, the available evidence is currently insufficient to determine the role of this variant in disease. Therefore, it has been classified as a Variant of Uncertain Significance.

Breakthrough Genomics
Classification: Uncertain significance. Review status: criteria provided, single submitter. Criteria: ACMG Guidelines, 2015. Collection method: not provided. Allele origin: germline. Inheritance: Autosomal recessive inheritance. Affected: yes.

NM_017777.4(MKS1):c.1354G>A (p.Gly452Ser)

Gene: MKS1 (MKS transition zone complex subunit 1; minus strand). Cytogenetic location: 17q22.
Variant type: single nucleotide variant.
Coding change: c.1354G>A on transcript NM_017777.4 (MANE Select); coding-DNA position 1354, G replaced by A.
Protein change: p.Gly452Ser; replaces glycine 452 with serine.
Molecular consequence: missense variant. On other transcripts: intron variant (1).
Genome position (GRCh38, 1-based): chr17:58,207,138, C>T on the plus strand (G>A on the coding strand, the complement: MKS1 is on the minus strand). VCF-style: chr17-58207138-C-T. GRCh37 (hg19) VCF-style: chr17-56284499-C-T.
Other names: c.745G>A, p.Gly249Ser (NM_001321268.2); c.1354G>A, p.Gly452Ser (NM_001321269.2); c.1273+756G>A (NM_001330397.2); short protein forms G452S, G249S.
Identifiers: ClinVar variation 2068065 (VCV002068065.5), dbSNP rs538819956, ClinGen allele CA8669158.
Genomic context (GRCh38, chr17:58,207,138, plus strand): 5'-AAGTCACCTTGAAGGATCCTGGTATCCGTACATAGGAGAGGTCCTCCAGTTCCAGAGAAC[C>T]GCCAATGAAAAACCTCCTCAGCTCAGCCACCGTGCCAAGCTCCACAGGTCTCCACGTGGA-3'
Protein context (NP_060247.2, residues 442-462): VAELRRFFIG[Gly452Ser]SLELEDLSYV